The following is an entry in ClinVar:

ClinVar aggregate classification (germline): Pathogenic. Review status: reviewed by expert panel (3 of 4 stars). 2 submissions from 2 submitters: Pathogenic (1). 1 of the submissions does not count toward it. Last evaluated 2016-10-18.

Conditions:
Breast-ovarian cancer, familial, susceptibility to, 2 (BROVCA2). Also called: BRCA2 Hereditary Breast and Ovarian Cancer. Identifiers: Orphanet 145, MedGen C2675520, MONDO:0012933, OMIM 612555. Disease mechanism: loss of function.

Submissions (2):

Evidence-based Network for the Interpretation of Germline Mutant Alleles (ENIGMA)
Classification: Pathogenic for Breast-ovarian cancer, familial, susceptibility to, 2. Last evaluated: 2016-10-18. Review status: reviewed by expert panel. Criteria: ENIGMA BRCA1/2 Classification Criteria (2015). Collection method: curation. Allele origin: germline.
Comment: Variant allele predicted to encode a truncated non-functional protein.

Consortium of Investigators of Modifiers of BRCA1/2 (CIMBA), c/o University of Cambridge
Classification: Pathogenic for Breast-ovarian cancer, familial, susceptibility to, 2. Last evaluated: 2015-10-02. Review status: criteria provided, single submitter. Criteria: CIMBA Mutation Classification guidelines May 2016. Collection method: clinical testing. Allele origin: germline. Not counted in ClinVar's aggregate classification.

NM_000059.4(BRCA2):c.1484dup (p.Ser496fs)

Gene: BRCA2 (BRCA2 DNA repair associated; plus strand). Cytogenetic location: 13q13.1.
Variant type: Duplication.
Coding change: c.1484dup on transcript NM_000059.4 (MANE Select); coding-DNA position 1484, one base duplicated (C; older notation c.1484dupC).
Protein change: p.Ser496fs; shifts the reading frame from serine 496.
Molecular consequence: frameshift variant.
Genome position (GRCh38, 1-based): chr13:32,332,962, C duplicated. VCF-style (leftmost placement, unchanged base first): chr13-32332961-G-GC. GRCh37 (hg19) VCF-style: chr13-32907098-G-GC.
Other names: 1712_1713insC; short protein forms S496fs.
Identifiers: ClinVar variation 266639 (VCV000266639.5), dbSNP rs886040369, ClinGen allele CA10589098.
Genomic context (GRCh38, chr13:32,332,961, plus strand): 5'-GAATCTCATACAGACTGCATTCTTGCAGTAAAGCAGGCAATATCTGGAACTTCTCCAGTG[G>GC]CTTCTTCATTTCAGGGTATCAAAAAGTCTATATTCAGAATAAGAGAATCACCTAAAGAGA-3'